The following is an entry in ClinVar:

ClinVar aggregate classification (germline): Uncertain significance (1 of 4 stars; one submission).

Conditions:
Cardiovascular phenotype. Identifiers: MedGen CN230736.

Submission:

Ambry Genetics
Classification: Uncertain significance for Cardiovascular phenotype. Last evaluated: 2025-11-11. Review status: criteria provided, single submitter. Criteria: Ambry Variant Classification Scheme 2023. Collection method: clinical testing. Allele origin: germline.
Comment: The p.A783V variant (also known as c.2348C>T), located in coding exon 15 of the CBL gene, results from a C to T substitution at nucleotide position 2348. The alanine at codon 783 is replaced by valine, an amino acid with similar properties. This amino acid position is conserved. In addition, this alteration is predicted to be tolerated by in silico analysis. Based on the available evidence, the clinical significance of this variant remains unclear.

NM_005188.4(CBL):c.2348C>T (p.Ala783Val)

Gene: CBL (Cbl proto-oncogene; plus strand). Cytogenetic location: 11q23.3.
Variant type: single nucleotide variant.
Coding change: c.2348C>T on transcript NM_005188.4 (MANE Select); coding-DNA position 2348, C replaced by T.
Protein change: p.Ala783Val; replaces alanine 783 with valine.
Molecular consequence: missense variant.
Genome position (GRCh38, 1-based): chr11:119,298,454, C>T. VCF-style: chr11-119298454-C-T. GRCh37 (hg19) VCF-style: chr11-119169164-C-T.
Other names: short protein forms A783V.
Identifiers: ClinVar variation 4613868 (VCV004613868.1).